The following is an entry in ClinVar:

NM_021815.5(SLC5A7):c.112C>T (p.Arg38Cys)

Gene: SLC5A7 (solute carrier family 5 member 7; plus strand). Cytogenetic location: 2q12.3.
Variant type: single nucleotide variant.
Coding change: c.112C>T on transcript NM_021815.5 (MANE Select); coding-DNA position 112, C replaced by T.
Protein change: p.Arg38Cys; replaces arginine 38 with cysteine.
Molecular consequence: missense variant. On other transcripts: 5 prime UTR variant (1), intron variant (1).
Genome position (GRCh38, 1-based): chr2:107,988,267, C>T. VCF-style: chr2-107988267-C-T. GRCh37 (hg19) VCF-style: chr2-108604723-C-T.
Other names: c.112C>T, p.Arg38Cys (NM_001305005.3); c.-593C>T (NM_001305007.3); c.-138+1504C>T (NM_001305006.3); short protein forms R38C.
Identifiers: ClinVar variation 1496005 (VCV001496005.8), dbSNP rs935822553, ClinGen allele CA53407826.

ClinVar aggregate classification (germline): Uncertain significance (1 of 4 stars; one submission).

Conditions:
Neuronopathy, distal hereditary motor, type 7A. Also called: HARPER-YOUNG MYOPATHY; HMN VIIA; NEURONOPATHY, DISTAL HEREDITARY MOTOR, HARDING TYPE VIIA; NEUROPATHY, DISTAL HEREDITARY MOTOR, HARDING TYPE VIIA; Neuronopathy, distal hereditary motor, autosomal dominant 7; Neuronopathy, distal hereditary motor, type viia. Identifiers: Orphanet 139589, MedGen C1834703, MONDO:0008024, OMIM 158580.
Congenital myasthenic syndrome 20. Also called: Myasthenic syndrome, congenital, 20, presynaptic. Identifiers: MedGen C4310694, MONDO:0014939, OMIM 617143.

Allele frequency attached by ClinVar (database versions not stated): TOPMed below 0.00001.

Submission:

Labcorp Genetics (formerly Invitae), Labcorp
Classification: Uncertain significance for Neuronopathy, distal hereditary motor, type 7A; Congenital myasthenic syndrome 20. Last evaluated: 2022-07-25. Review status: criteria provided, single submitter. Criteria: Invitae Variant Classification Sherloc (09022015). Collection method: clinical testing. Allele origin: germline.
Comment: In summary, the available evidence is currently insufficient to determine the role of this variant in disease. Therefore, it has been classified as a Variant of Uncertain Significance. Algorithms developed to predict the effect of missense changes on protein structure and function are either unavailable or do not agree on the potential impact of this missense change (SIFT: "Tolerated"; PolyPhen-2: "Possibly Damaging"; Align-GVGD: "Class C0"). ClinVar contains an entry for this variant (Variation ID: 1496005). This variant has not been reported in the literature in individuals affected with SLC5A7-related conditions. This variant is not present in population databases (gnomAD no frequency). This sequence change replaces arginine, which is basic and polar, with cysteine, which is neutral and slightly polar, at codon 38 of the SLC5A7 protein (p.Arg38Cys).